The following is an entry in ClinVar:

ClinVar aggregate classification (germline): Uncertain significance (1 of 4 stars; one submission).

Allele frequency attached by ClinVar (database versions not stated): TOPMed below 0.00001; ExAC 0.00001; gnomAD 0.00001; gnomAD exomes 0.00001.
gnomAD v4.1: 14 of 1,610,644 alleles (0.00087%); highest among the groups gnomAD compares: Middle Eastern, 0.016%; no homozygotes.

Submission:

Labcorp Genetics (formerly Invitae), Labcorp
Classification: Uncertain significance. Last evaluated: 2022-09-17. Review status: criteria provided, single submitter. Criteria: Invitae Variant Classification Sherloc (09022015). Collection method: clinical testing. Allele origin: germline.
Comment: In summary, the available evidence is currently insufficient to determine the role of this variant in disease. Therefore, it has been classified as a Variant of Uncertain Significance. Advanced modeling of protein sequence and biophysical properties (such as structural, functional, and spatial information, amino acid conservation, physicochemical variation, residue mobility, and thermodynamic stability) performed at Invitae indicates that this missense variant is not expected to disrupt JAK2 protein function. This variant has not been reported in the literature in individuals affected with JAK2-related conditions. The frequency data for this variant in the population databases is considered unreliable, as metrics indicate poor data quality at this position in the gnomAD database. This sequence change replaces threonine, which is neutral and polar, with alanine, which is neutral and non-polar, at codon 576 of the JAK2 protein (p.Thr576Ala).

NM_004972.4(JAK2):c.1726A>G (p.Thr576Ala)

Genes: INSL6 (insulin like 6; minus strand), JAK2 (Janus kinase 2; plus strand). Cytogenetic location: 9p24.1.
Variant type: single nucleotide variant.
Coding change: c.1726A>G on transcript NM_004972.4 (MANE Select); coding-DNA position 1726, A replaced by G.
Protein change: p.Thr576Ala; replaces threonine 576 with alanine.
Molecular consequence: missense variant. On other transcripts: non-coding transcript variant (2).
Genome position (GRCh38, 1-based): chr9:5,072,576, A>G. VCF-style: chr9-5072576-A-G. GRCh37 (hg19) VCF-style: chr9-5072576-A-G.
Other names: c.1726A>G, p.Thr576Ala (NM_001322194.2, NM_001322195.2, NM_001322196.2); c.511A>G, p.Thr171Ala (NM_001322198.2, NM_001322199.2); c.1279A>G, p.Thr427Ala (NM_001322204.2); short protein forms T171A, T576A, T427A.
Identifiers: ClinVar variation 1949021 (VCV001949021.5), dbSNP rs746807589, ClinGen allele CA4971944.